The following is an entry in ClinVar:

NM_001009999.3(KDM1A):c.1734+3A>G

Gene: KDM1A (lysine demethylase 1A; plus strand). Cytogenetic location: 1p36.12.
Variant type: single nucleotide variant.
Coding change: c.1734+3A>G on transcript NM_001009999.3 (MANE Select); 3 bases into the intron after coding-DNA position 1734, A replaced by G.
Molecular consequence: intron variant.
Genome position (GRCh38, 1-based): chr1:23,073,406, A>G. VCF-style: chr1-23073406-A-G. GRCh37 (hg19) VCF-style: chr1-23399899-A-G.
Other names: c.1740+3A>G (NM_001410762.1); c.1680+3A>G (NM_001363654.2); c.1662+3A>G (NM_001410763.1, NM_015013.4).
Identifiers: ClinVar variation 2733840 (VCV002733840.3), dbSNP rs766044763, ClinGen allele CA679798.
Genomic context (GRCh38, chr1:23,073,406, plus strand): 5'-TCTTGAATTTGCTAATGCCACACCTCTCTCAACTCTCTCCCTTAAGCACTGGGATCAGGT[A>G]AGTTTCCCTTATTGTTTATTTTATTGCACATGCCTTTGAGAGGGATTGTAAGAGAAATAG-3'

ClinVar aggregate classification (germline): Uncertain significance (1 of 4 stars; one submission).

Allele frequency attached by ClinVar (database versions not stated): TOPMed 0.00001; ExAC 0.00002; gnomAD 0.00002; gnomAD exomes 0.00002.
gnomAD v4.1: 27 of 1,512,592 alleles (0.0018%); highest among the groups gnomAD compares: Non-Finnish European, 0.00028%; no homozygotes.

Submission:

Labcorp Genetics (formerly Invitae), Labcorp
Classification: Uncertain significance. Last evaluated: 2023-06-30. Review status: criteria provided, single submitter. Criteria: Invitae Variant Classification Sherloc (09022015). Collection method: clinical testing. Allele origin: germline.
Comment: In summary, the available evidence is currently insufficient to determine the role of this variant in disease. Therefore, it has been classified as a Variant of Uncertain Significance. Variants that disrupt the consensus splice site are a relatively common cause of aberrant splicing (PMID: 17576681, 9536098). Algorithms developed to predict the effect of sequence changes on RNA splicing suggest that this variant is not likely to affect RNA splicing. This variant has not been reported in the literature in individuals affected with KDM1A-related conditions. This variant is present in population databases (rs766044763, gnomAD 0.03%). This sequence change falls in intron 15 of the KDM1A gene. It does not directly change the encoded amino acid sequence of the KDM1A protein. It affects a nucleotide within the consensus splice site.

Literature cited by the submitters: PubMed 17576681; PubMed 9536098.